The following is an entry in ClinVar:

ClinVar aggregate classification (germline): Uncertain significance (1 of 4 stars; one submission).

gnomAD v4.1: 2 of 1,208,694 alleles (0.00017%); highest among the groups gnomAD compares: Non-Finnish European, 0.00022%; no homozygotes.

Submission:

GeneDx
Classification: Uncertain significance. Last evaluated: 2025-04-14. Review status: criteria provided, single submitter. Criteria: GeneDx Variant Classification Process June 2021. Collection method: clinical testing. Allele origin: germline. Affected: yes.
Comment: Not observed at significant frequency in large population cohorts (gnomAD); In silico analysis indicates that this missense variant does not alter protein structure/function; Has not been previously published as pathogenic or benign to our knowledge

NM_000489.6(ATRX):c.5807A>C (p.Lys1936Thr)

Gene: ATRX (ATRX chromatin remodeler; minus strand). Cytogenetic location: Xq21.1.
Variant type: single nucleotide variant.
Coding change: c.5807A>C on transcript NM_000489.6 (MANE Select); coding-DNA position 5807, A replaced by C.
Protein change: p.Lys1936Thr; replaces lysine 1936 with threonine.
Molecular consequence: missense variant.
Genome position (GRCh38, 1-based): chrX:77,599,560, T>G on the plus strand (A>C on the coding strand, the complement: ATRX is on the minus strand). VCF-style: chrX-77599560-T-G. GRCh37 (hg19) VCF-style: chrX-76855029-T-G.
Other names: c.5693A>C, p.Lys1898Thr (NM_138270.5); short protein forms K1898T, K1936T.
Identifiers: ClinVar variation 4282241 (VCV004282241.1).